The following is an entry in ClinVar:

NM_177438.3(DICER1):c.383A>C (p.Glu128Ala)

Gene: DICER1 (dicer 1, ribonuclease III; minus strand). Cytogenetic location: 14q32.13.
Variant type: single nucleotide variant.
Coding change: c.383A>C on transcript NM_177438.3 (MANE Select); coding-DNA position 383, A replaced by C.
Protein change: p.Glu128Ala; replaces glutamic acid 128 with alanine.
Molecular consequence: missense variant.
Genome position (GRCh38, 1-based): chr14:95,131,564, T>G on the plus strand (A>C on the coding strand, the complement: DICER1 is on the minus strand). VCF-style: chr14-95131564-T-G. GRCh37 (hg19) VCF-style: chr14-95597901-T-G.
Other names: c.383A>C, p.Glu128Ala (NM_001195573.1, NM_001271282.3, NM_001291628.2 and 1 more transcripts); short protein forms E128A.
Identifiers: ClinVar variation 579147 (VCV000579147.18), dbSNP rs1345117803, ClinGen allele CA390889051.

ClinVar aggregate classification (germline): Uncertain significance. Review status: criteria provided, multiple submitters, no conflicts (2 of 4 stars). 5 submissions from 5 submitters: Uncertain significance (3). 2 of the submissions do not count toward it. Last evaluated 2025-11-02.

Conditions:
Hereditary cancer-predisposing syndrome. Also called: Hereditary neoplastic syndrome; Tumor predisposition; Hereditary Cancer Syndrome; Neoplastic Syndromes, Hereditary. Identifiers: Orphanet 140162, MedGen C0027672, MeSH D009386, MONDO:0015356.
DICER1-related tumor predisposition. Also called: DICER1 syndrome; DICER1-related pleuropulmonary blastoma cancer predisposition syndrome. Identifiers: Orphanet 284343, MedGen C3839822, MONDO:0100216.

Allele frequency attached by ClinVar (database versions not stated): gnomAD exomes below 0.00001; TOPMed below 0.00001.

Submissions (5):

Ambry Genetics
Classification: Uncertain significance for Hereditary cancer-predisposing syndrome. Last evaluated: 2025-11-02. Review status: criteria provided, single submitter. Criteria: Ambry Variant Classification Scheme 2023. Collection method: clinical testing. Allele origin: germline.
Comment: The p.E128A variant (also known as c.383A>C), located in coding exon 3 of the DICER1 gene, results from an A to C substitution at nucleotide position 383. The glutamic acid at codon 128 is replaced by alanine, an amino acid with dissimilar properties. This amino acid position is highly conserved in available vertebrate species. In addition, the in silico prediction for this alteration is inconclusive. Since supporting evidence is limited at this time, the clinical significance of this alteration remains unclear.

Labcorp Genetics (formerly Invitae), Labcorp
Classification: Uncertain significance for DICER1-related tumor predisposition. Last evaluated: 2025-10-28. Review status: criteria provided, single submitter. Criteria: Invitae Variant Classification Sherloc (09022015). Collection method: clinical testing. Allele origin: germline.
Comment: This sequence change replaces glutamic acid, which is acidic and polar, with alanine, which is neutral and non-polar, at codon 128 of the DICER1 protein (p.Glu128Ala). This variant is not present in population databases (gnomAD no frequency). This variant has not been reported in the literature in individuals affected with DICER1-related conditions. ClinVar contains an entry for this variant (Variation ID: 579147). Invitae Evidence Modeling of protein sequence and biophysical properties (such as structural, functional, and spatial information, amino acid conservation, physicochemical variation, residue mobility, and thermodynamic stability) indicates that this missense variant is not expected to disrupt DICER1 protein function with a negative predictive value of 95%. In summary, the available evidence is currently insufficient to determine the role of this variant in disease. Therefore, it has been classified as a Variant of Uncertain Significance.

GeneDx
Classification: Uncertain significance. Last evaluated: 2024-04-15. Review status: criteria provided, single submitter. Criteria: GeneDx Variant Classification Process June 2021. Collection method: clinical testing. Allele origin: germline. Affected: yes.
Comment: Not observed at significant frequency in large population cohorts (gnomAD); In silico analysis indicates that this missense variant does not alter protein structure/function; Has not been previously published as pathogenic or benign to our knowledge

Clinical Genetics DNA and cytogenetics Diagnostics Lab, Erasmus MC, Erasmus Medical Center
Classification: Uncertain significance. Review status: no assertion criteria provided. Collection method: clinical testing. Allele origin: germline. Affected: yes. Study: VKGL Data-share Consensus. Not counted in ClinVar's aggregate classification.

Laboratory of Diagnostic Genome Analysis, Leiden University Medical Center (LUMC)
Classification: Uncertain significance. Review status: no assertion criteria provided. Collection method: clinical testing. Allele origin: germline. Affected: yes. Study: VKGL Data-share Consensus. Not counted in ClinVar's aggregate classification.